The following is an entry in ClinVar:

NM_001145860.2(POP1):c.2462C>T (p.Pro821Leu)

Gene: POP1 (POP1 ribonuclease P/MRP subunit; plus strand). Cytogenetic location: 8q22.2.
Variant type: single nucleotide variant.
Coding change: c.2462C>T on transcript NM_001145860.2 (MANE Select); coding-DNA position 2462, C replaced by T.
Protein change: p.Pro821Leu; replaces proline 821 with leucine.
Molecular consequence: missense variant.
Genome position (GRCh38, 1-based): chr8:98,157,658, C>T. VCF-style: chr8-98157658-C-T. GRCh37 (hg19) VCF-style: chr8-99169886-C-T.
Other names: c.2462C>T, p.Pro821Leu (NM_001145861.2, NM_015029.3); short protein forms P821L.
Identifiers: ClinVar variation 4743718 (VCV004743718.1).

ClinVar aggregate classification (germline): Uncertain significance (1 of 4 stars; one submission).

gnomAD v4.1: 6 of 1,614,172 alleles (0.00037%); highest among the groups gnomAD compares: South Asian, 0.0055%; no homozygotes.

Submission:

Labcorp Genetics (formerly Invitae), Labcorp
Classification: Uncertain significance. Last evaluated: 2025-08-04. Review status: criteria provided, single submitter. Criteria: Invitae Variant Classification Sherloc (09022015). Collection method: clinical testing. Allele origin: germline.
Comment: This sequence change replaces proline, which is neutral and non-polar, with leucine, which is neutral and non-polar, at codon 821 of the POP1 protein (p.Pro821Leu). This variant is present in population databases (rs763075621, gnomAD 0.003%). This variant has not been reported in the literature in individuals affected with POP1-related conditions. An algorithm developed to predict the effect of missense changes on protein structure and function (PolyPhen-2) suggests that this variant is likely to be tolerated. In summary, the available evidence is currently insufficient to determine the role of this variant in disease. Therefore, it has been classified as a Variant of Uncertain Significance.